The following is an entry in ClinVar:

NM_001034853.2(RPGR):c.1587del (p.Ile529fs)

Gene: RPGR (retinitis pigmentosa GTPase regulator; minus strand). Cytogenetic location: Xp11.4.
Variant type: Deletion.
Coding change: c.1587del on transcript NM_001034853.2 (MANE Select); coding-DNA position 1587, one base deleted (T; older notation c.1587delT).
Protein change: p.Ile529fs; shifts the reading frame from isoleucine 529.
Molecular consequence: frameshift variant. On other transcripts: non-coding transcript variant (1), intron variant (5).
Genome position (GRCh38, 1-based): chrX:38,288,027, A deleted on the plus strand (T on the coding strand, the reverse complement: RPGR is on the minus strand); the first of 2 consecutive A bases (chrX:38,288,027-38,288,028); deleting either gives the same sequence. VCF-style (leftmost placement, unchanged base first): chrX-38288026-CA-C. GRCh37 (hg19) VCF-style: chrX-38147279-CA-C.
Other names: c.1587del, p.Ile529fs (NM_000328.3); c.1584del, p.Ile528fs (NM_001367245.1); c.1401del, p.Ile467fs (NM_001367246.1); c.1569+2932del (NM_001367249.1, NM_001367250.1); c.1386+2932del (NM_001367251.1); c.1572+2932del (NM_001367247.1); c.1602+2932del (NM_001367248.1); c.1587delT (NM_001034853.2); short protein forms I467fs, I528fs, I529fs.
Identifiers: ClinVar variation 2430144 (VCV002430144.1), dbSNP rs2519799028, ClinGen allele CA2580100808.

ClinVar aggregate classification (germline): Likely pathogenic (0 of 4 stars; one submission).

Conditions:
X-linked cone-rod dystrophy. Identifiers: MedGen CN323387, MONDO:0021155.

Submission:

Genetic Eye Disease Investigation Unit, University of Auckland
Classification: Likely pathogenic for X-LINKED ROD CONE DYSTROPHY. Last evaluated: 2023-01-03. Review status: no assertion criteria provided. Collection method: clinical testing. Allele origin: unknown. Affected: yes. Observed: 1 variant allele.